The following is an entry in ClinVar:

NM_001039591.3(USP9X):c.1920A>C (p.Gln640His)

Gene: USP9X (ubiquitin specific peptidase 9 X-linked; plus strand). Cytogenetic location: Xp11.4.
Variant type: single nucleotide variant.
Coding change: c.1920A>C on transcript NM_001039591.3 (MANE Select); coding-DNA position 1920, A replaced by C.
Protein change: p.Gln640His; replaces glutamine 640 with histidine.
Molecular consequence: missense variant.
Genome position (GRCh38, 1-based): chrX:41,162,812, A>C. VCF-style: chrX-41162812-A-C. GRCh37 (hg19) VCF-style: chrX-41022065-A-C.
Other names: c.1920A>C, p.Gln640His (NM_001039590.3); short protein forms Q640H.
Identifiers: ClinVar variation 1301565 (VCV001301565.9), dbSNP rs569095263, ClinGen allele CA10388504.

ClinVar aggregate classification (germline): Benign. Review status: criteria provided, multiple submitters, no conflicts (2 of 4 stars). 4 submissions from 4 submitters: Benign (3). 1 of the submissions does not count toward it. Last evaluated 2025-04-27.

Conditions:
USP9X-related disorder. Also called: USP9X-related condition.

Allele frequency attached by ClinVar (database versions not stated): gnomAD 0.00001 and 0.00018; TOPMed 0.00004; gnomAD exomes 0.00070; ExAC 0.00110; 1000 Genomes Project 0.00185; 1000 Genomes Project 30x 0.00187.
gnomAD v4.1: 382 of 1,207,937 alleles (0.032%); highest among the groups gnomAD compares: South Asian, 0.62%; no homozygotes.

Submissions (4):

Labcorp Genetics (formerly Invitae), Labcorp
Classification: Benign. Last evaluated: 2025-04-27. Review status: criteria provided, single submitter. Criteria: Invitae Variant Classification Sherloc (09022015). Collection method: clinical testing. Allele origin: germline.

Dubai Health Genomic Medicine Center, Dubai Health
Classification: Benign. Last evaluated: 2020-03-19. Review status: criteria provided, single submitter. Criteria: ACMG Guidelines, 2015. Collection method: clinical testing. Allele origin: germline. Affected: yes.

Breakthrough Genomics
Classification: Benign. Review status: criteria provided, single submitter. Criteria: ACMG Guidelines, 2015. Collection method: not provided. Allele origin: germline. Inheritance: X-linked inheritance. Affected: yes.

PreventionGenetics, part of Exact Sciences
Classification: Benign for USP9X-related condition. Last evaluated: 2024-09-18. Review status: no assertion criteria provided. Collection method: clinical testing. Allele origin: germline. Not counted in ClinVar's aggregate classification.
Comment: This variant is classified as benign based on ACMG/AMP sequence variant interpretation guidelines (Richards et al. 2015 PMID: 25741868, with internal and published modifications).